The following is an entry in ClinVar:

NM_001101.5(ACTB):c.616C>T (p.Arg206Trp)

Gene: ACTB (actin beta; minus strand). Cytogenetic location: 7p22.1.
Variant type: single nucleotide variant.
Coding change: c.616C>T on transcript NM_001101.5 (MANE Select); coding-DNA position 616, C replaced by T.
Protein change: p.Arg206Trp; replaces arginine 206 with tryptophan.
Molecular consequence: missense variant.
Genome position (GRCh38, 1-based): chr7:5,528,467, G>A on the plus strand (C>T on the coding strand, the complement: ACTB is on the minus strand). VCF-style: chr7-5528467-G-A. GRCh37 (hg19) VCF-style: chr7-5568098-G-A.
Other names: short protein forms R206W.
Identifiers: ClinVar variation 860924 (VCV000860924.11), dbSNP rs1057518071, ClinGen allele CA366702424.

ClinVar aggregate classification (germline): Pathogenic. Review status: criteria provided, multiple submitters, no conflicts (2 of 4 stars). 2 submissions from 2 submitters: Pathogenic (2). Last evaluated 2019-01-24.

Conditions:
Baraitser-Winter syndrome 1 (BRWS1). Also called: PACHYGYRIA, MENTAL RETARDATION, EPILEPSY, AND CHARACTERISTIC FACIES; MENTAL RETARDATION WITH EPILEPSY AND CHARACTERISTIC FACIES; Cerebrofrontofacial syndrome; BARAITSER-WINTER SYNDROME 1, ATYPICAL. Identifiers: Orphanet 2649, Orphanet 2995, MedGen C1855722, MONDO:0009470, OMIM 243310.

Submissions (2):

Labcorp Genetics (formerly Invitae), Labcorp
Classification: Pathogenic for Baraitser-Winter syndrome 1. Last evaluated: 2019-01-24. Review status: criteria provided, single submitter. Criteria: Invitae Variant Classification Sherloc (09022015). Collection method: clinical testing. Allele origin: germline.
Comment: This sequence change replaces arginine with tryptophan at codon 206 of the ACTB protein (p.Arg206Trp). The arginine residue is highly conserved and there is a moderate physicochemical difference between arginine and tryptophan. This variant is not present in population databases (ExAC no frequency). For these reasons, this variant has been classified as Pathogenic. This variant disrupts the p.Arg206 amino acid residue in ACTB. Other variant(s) that disrupt this residue have been observed in individuals with ACTB-related conditions (Invitae), suggesting that it is a clinically significant residue. As a result, variants that disrupt this residue are likely to be causative of disease. Algorithms developed to predict the effect of missense changes on protein structure and function are either unavailable or do not agree on the potential impact of this missense change (SIFT: "Tolerated"; PolyPhen-2: "Possibly Damaging"; Align-GVGD: "Class C0").

GeneDx
Classification: Pathogenic. Last evaluated: 2018-12-26. Review status: criteria provided, single submitter. Criteria: GeneDx Variant Classification Process June 2021. Collection method: clinical testing. Allele origin: germline. Affected: yes.
Comment: The majority of missense variants in this gene are considered pathogenic (Stenson et al., 2014); In silico analysis, which includes protein predictors and evolutionary conservation, supports a deleterious effect; Not observed in large population cohorts (Lek et al., 2016); Has not been previously published as pathogenic or benign to our knowledge